The following is an entry in ClinVar:

ClinVar aggregate classification (germline): Uncertain significance (1 of 4 stars; one submission).

gnomAD v4.1: 1 of 1,596,766 alleles (0.000063%); highest among the groups gnomAD compares: Admixed American, 0.0018%; no homozygotes.

Submission:

GeneDx
Classification: Uncertain significance. Last evaluated: 2025-07-12. Review status: criteria provided, single submitter. Criteria: GeneDx Variant Classification Process June 2021. Collection method: clinical testing. Allele origin: germline. Affected: yes.
Comment: Not observed at significant frequency in large population cohorts (gnomAD); In silico analysis supports that this missense variant has a deleterious effect on protein structure/function; Has not been previously published as pathogenic or benign to our knowledge

NM_018896.5(CACNA1G):c.820C>T (p.Pro274Ser)

Gene: CACNA1G (calcium voltage-gated channel subunit alpha1 G; plus strand). Cytogenetic location: 17q21.33.
Variant type: single nucleotide variant.
Coding change: c.820C>T on transcript NM_018896.5 (MANE Select); coding-DNA position 820, C replaced by T.
Protein change: p.Pro274Ser; replaces proline 274 with serine.
Molecular consequence: missense variant. On other transcripts: non-coding transcript variant (5).
Genome position (GRCh38, 1-based): chr17:50,572,627, C>T. VCF-style: chr17-50572627-C-T. GRCh37 (hg19) VCF-style: chr17-48649988-C-T.
Other names: c.820C>T, p.Pro274Ser (NM_001256324.2, NM_001256325.2, NM_001256326.2 and 24 more transcripts); short protein forms P274S.
Identifiers: ClinVar variation 4685064 (VCV004685064.1).